The following is an entry in ClinVar:

ClinVar aggregate classification (germline): Uncertain significance (1 of 4 stars; one submission).

Submission:

GeneDx
Classification: Uncertain significance. Last evaluated: 2024-12-09. Review status: criteria provided, single submitter. Criteria: GeneDx Variant Classification Process June 2021. Collection method: clinical testing. Allele origin: germline. Affected: yes.
Comment: Not observed at significant frequency in large population cohorts (gnomAD); In silico analysis supports that this missense variant has a deleterious effect on protein structure/function; Has not been previously published as pathogenic or benign to our knowledge

NM_001355436.2(SPTB):c.1897C>G (p.Leu633Val)

Gene: SPTB (spectrin beta, erythrocytic; minus strand). Cytogenetic location: 14q23.3.
Variant type: single nucleotide variant.
Coding change: c.1897C>G on transcript NM_001355436.2 (MANE Select); coding-DNA position 1897, C replaced by G.
Protein change: p.Leu633Val; replaces leucine 633 with valine.
Molecular consequence: missense variant.
Genome position (GRCh38, 1-based): chr14:64,793,766, G>C on the plus strand (C>G on the coding strand, the complement: SPTB is on the minus strand). VCF-style: chr14-64793766-G-C. GRCh37 (hg19) VCF-style: chr14-65260484-G-C.
Other names: NM_000347.5:c.1897C>G; c.1897C>G, p.Leu633Val (NM_001024858.4, NM_001355437.2); short protein forms L633V.
Identifiers: ClinVar variation 3901438 (VCV003901438.1).